The following is an entry in ClinVar:

NM_001257291.2(SLC9A7):c.1685T>A (p.Val562Asp)

Gene: SLC9A7 (solute carrier family 9 member A7; minus strand). Cytogenetic location: Xp11.3.
Variant type: single nucleotide variant.
Coding change: c.1685T>A on transcript NM_001257291.2 (MANE Select); coding-DNA position 1685, T replaced by A.
Protein change: p.Val562Asp; replaces valine 562 with aspartic acid.
Molecular consequence: missense variant.
Genome position (GRCh38, 1-based): chrX:46,631,641, A>T on the plus strand (T>A on the coding strand, the complement: SLC9A7 is on the minus strand). VCF-style: chrX-46631641-A-T. GRCh37 (hg19) VCF-style: chrX-46491076-A-T.
Other names: c.1682T>A, p.Val561Asp (NM_032591.3); short protein forms V562D, V561D.
Identifiers: ClinVar variation 3652965 (VCV003652965.2).

ClinVar aggregate classification (germline): Uncertain significance (1 of 4 stars; one submission).

Submission:

Labcorp Genetics (formerly Invitae), Labcorp
Classification: Uncertain significance. Last evaluated: 2024-05-10. Review status: criteria provided, single submitter. Criteria: Invitae Variant Classification Sherloc (09022015). Collection method: clinical testing. Allele origin: germline.
Comment: This sequence change replaces valine, which is neutral and non-polar, with aspartic acid, which is acidic and polar, at codon 562 of the SLC9A7 protein (p.Val562Asp). This variant is not present in population databases (gnomAD no frequency). This variant has not been reported in the literature in individuals affected with SLC9A7-related conditions. Advanced modeling of protein sequence and biophysical properties (such as structural, functional, and spatial information, amino acid conservation, physicochemical variation, residue mobility, and thermodynamic stability) performed at Invitae indicates that this missense variant is not expected to disrupt SLC9A7 protein function with a negative predictive value of 80%. In summary, the available evidence is currently insufficient to determine the role of this variant in disease. Therefore, it has been classified as a Variant of Uncertain Significance.